The following is an entry in ClinVar:

ClinVar aggregate classification (germline): Uncertain significance (1 of 4 stars; one submission).

Submission:

GeneDx
Classification: Uncertain significance. Last evaluated: 2024-11-27. Review status: criteria provided, single submitter. Criteria: GeneDx Variant Classification Process June 2021. Collection method: clinical testing. Allele origin: germline. Affected: yes.
Comment: Not observed at significant frequency in large population cohorts (gnomAD); Has not been previously published as pathogenic or benign to our knowledge; In-silico analysis is inconclusive as to whether the variant impacts protein structure/function. In the absence of functional studies, the actual effect of this sequence change is unknown

NM_019066.5(MAGEL2):c.202C>T (p.Pro68Ser)

Gene: MAGEL2 (MAGE family member L2; minus strand). Cytogenetic location: 15q11.2.
Variant type: single nucleotide variant.
Coding change: c.202C>T on transcript NM_019066.5 (MANE Select); coding-DNA position 202, C replaced by T.
Protein change: p.Pro68Ser; replaces proline 68 with serine.
Molecular consequence: missense variant.
Genome position (GRCh38, 1-based): chr15:23,647,541, G>A on the plus strand (C>T on the coding strand, the complement: MAGEL2 is on the minus strand). VCF-style: chr15-23647541-G-A. GRCh37 (hg19) VCF-style: chr15-23892688-G-A.
Other names: short protein forms P68S.
Identifiers: ClinVar variation 3900871 (VCV003900871.1).